The following is an entry in ClinVar:

ClinVar aggregate classification (germline): Likely benign (1 of 4 stars; one submission).

Submission:

CeGaT Center for Human Genetics Tuebingen
Classification: Likely benign. Last evaluated: 2026-09-01. Review status: criteria provided, single submitter. Criteria: CeGaT Center For Human Genetics Tuebingen Variant Classification Criteria Version 2. Collection method: clinical testing. Allele origin: germline. Affected: yes. Observed: 1 variant allele.
Comment: UGGT1: PM2:Supporting, BP4, BP7

NM_020120.4(UGGT1):c.1032T>A (p.Val344=)

Gene: UGGT1 (UDP-glucose glycoprotein glucosyltransferase 1; plus strand). Cytogenetic location: 2q14.3.
Variant type: single nucleotide variant.
Coding change: c.1032T>A on transcript NM_020120.4 (MANE Select); coding-DNA position 1032, T replaced by A.
Protein change: p.Val344=; no amino-acid change (valine 344 retained).
Molecular consequence: synonymous variant. On other transcripts: non-coding transcript variant (1).
Genome position (GRCh38, 1-based): chr2:128,121,257, T>A. VCF-style: chr2-128121257-T-A. GRCh37 (hg19) VCF-style: chr2-128878831-T-A.
Identifiers: ClinVar variation 5041093 (VCV005041093.1).
Genomic context (GRCh38, chr2:128,121,257, plus strand): 5'-AGATCTCAGTTTCCAGACTGCTGCTCGAATCTTGGCTTCTCCTGTTGAGTTGGCTTTGGT[T>A]GTCATGAAGGATCTTAGTCAGAATTTTCCTACCAAAGCCAGGTAATGTAGAATAATGCTC-3'
Protein context (NP_064505.1, residues 334-354): ILASPVELAL[Val344=]VMKDLSQNFP